The following is an entry in ClinVar:

NM_001032386.2(SUOX):c.599_600del (p.Pro200fs)

Gene: SUOX (sulfite oxidase; plus strand). Cytogenetic location: 12q13.2.
Variant type: Deletion.
Coding change: c.599_600del on transcript NM_001032386.2 (MANE Select); coding-DNA positions 599 to 600, 2 bases deleted (CT; older notation c.599_600delCT).
Protein change: p.Pro200fs; shifts the reading frame from proline 200.
Molecular consequence: frameshift variant.
Genome position (GRCh38, 1-based): chr12:56,003,988-56,003,989, CT deleted. VCF-style (leftmost placement, unchanged base first): chr12-56003987-CCT-C. GRCh37 (hg19) VCF-style: chr12-56397771-CCT-C.
Other names: c.599_600del, p.Pro200fs (NM_000456.3, NM_001032387.2); short protein forms P200fs.
Identifiers: ClinVar variation 2189731 (VCV002189731.4), dbSNP rs1370270518, ClinGen allele CA605400530.

ClinVar aggregate classification (germline): Pathogenic (1 of 4 stars; one submission).

Conditions:
Sulfite oxidase deficiency. Also called: Isolated sulfite oxidase deficiency. Identifiers: Orphanet 833, Orphanet 99731, MedGen C0268624, MONDO:0010089, OMIM 272300, HP:0003643.

Allele frequency attached by ClinVar (database versions not stated): gnomAD exomes below 0.00001.

Submission:

Labcorp Genetics (formerly Invitae), Labcorp
Classification: Pathogenic for Sulfite oxidase deficiency. Last evaluated: 2023-09-14. Review status: criteria provided, single submitter. Criteria: Invitae Variant Classification Sherloc (09022015). Collection method: clinical testing. Allele origin: germline.
Comment: For these reasons, this variant has been classified as Pathogenic. This variant disrupts a region of the SUOX protein in which other variant(s) (p.Arg459Gln) have been determined to be pathogenic (PMID: 31870341). This suggests that this is a clinically significant region of the protein, and that variants that disrupt it are likely to be disease-causing. ClinVar contains an entry for this variant (Variation ID: 2189731). This variant has not been reported in the literature in individuals affected with SUOX-related conditions. This variant is present in population databases (no rsID available, gnomAD 0.006%). This sequence change creates a premature translational stop signal (p.Pro200Argfs*24) in the SUOX gene. While this is not anticipated to result in nonsense mediated decay, it is expected to disrupt the last 346 amino acid(s) of the SUOX protein.

Literature cited by the submitters: PubMed 31870341.